The following is an entry in ClinVar:

ClinVar aggregate classification (germline): Uncertain significance (1 of 4 stars; one submission).

Conditions:
Desbuquois dysplasia 1 (DBQD1). Also called: DESBUQUOIS DYSPLASIA 1, KIM VARIANT; MICROMELIC DWARFISM WITH VERTEBRAL AND METAPHYSEAL ABNORMALITIES AND ADVANCED CARPOTARSAL OSSIFICATION. Identifiers: Orphanet 1425, MedGen C4012146, MONDO:0009629, OMIM 251450.

Allele frequency attached by ClinVar (database versions not stated): ExAC 0.00001; gnomAD exomes below 0.00001; TOPMed 0.00001; gnomAD 0.00001.
gnomAD v4.1: 6 of 1,613,016 alleles (0.00037%); highest among the groups gnomAD compares: Admixed American, 0.0017%; no homozygotes.

Submission:

Labcorp Genetics (formerly Invitae), Labcorp
Classification: Uncertain significance for Desbuquois dysplasia 1. Last evaluated: 2019-09-13. Review status: criteria provided, single submitter. Criteria: Invitae Variant Classification Sherloc (09022015). Collection method: clinical testing. Allele origin: germline.
Comment: In summary, the available evidence is currently insufficient to determine the role of this variant in disease. Therefore, it has been classified as a Variant of Uncertain Significance. Algorithms developed to predict the effect of missense changes on protein structure and function are either unavailable or do not agree on the potential impact of this missense change (SIFT: "Tolerated"; PolyPhen-2: "Probably Damaging"; Align-GVGD: "Class C0"). This variant has not been reported in the literature in individuals with XYLT1-related conditions. This variant is present in population databases (rs770094750, ExAC no frequency). This sequence change replaces aspartic acid with asparagine at codon 583 of the XYLT1 protein (p.Asp583Asn). The aspartic acid residue is highly conserved and there is a small physicochemical difference between aspartic acid and asparagine.

NM_022166.4(XYLT1):c.1747G>A (p.Asp583Asn)

Genes: XYLT1 (xylosyltransferase 1; minus strand), LOC102723692 (uncharacterized LOC102723692; plus strand). Cytogenetic location: 16p12.3.
Variant type: single nucleotide variant.
Coding change: c.1747G>A on transcript NM_022166.4 (MANE Select); coding-DNA position 1747, G replaced by A.
Protein change: p.Asp583Asn; replaces aspartic acid 583 with asparagine.
Molecular consequence: missense variant. On other transcripts: non-coding transcript variant (1).
Genome position (GRCh38, 1-based): chr16:17,138,372, C>T on the plus strand (G>A on the coding strand, the complement: XYLT1 is on the minus strand). VCF-style: chr16-17138372-C-T. GRCh37 (hg19) VCF-style: chr16-17232229-C-T.
Other names: short protein forms D583N.
Identifiers: ClinVar variation 959193 (VCV000959193.7), dbSNP rs770094750, ClinGen allele CA7927803.